The following is an entry in ClinVar:

ClinVar aggregate classification (germline): Conflicting classifications of pathogenicity. Review status: criteria provided, conflicting classifications (1 of 4 stars). 4 submissions from 4 submitters: Uncertain significance (2); Likely benign (2). Last evaluated 2025-12-23.

Conditions:
Hereditary cancer-predisposing syndrome. Also called: Neoplastic Syndromes, Hereditary; Hereditary neoplastic syndrome; Hereditary Cancer Syndrome; Tumor predisposition. Identifiers: Orphanet 140162, MedGen C0027672, MeSH D009386, MONDO:0015356.
POLD1-related polyposis and colorectal cancer syndrome (CRCS10). Also called: Colorectal cancer, susceptibility to, 10; Colorectal cancer 10; COLORECTAL CANCER, SUSCEPTIBILITY TO, ON CHROMOSOME 19q. Identifiers: Orphanet 220460, MedGen C2675481, MONDO:0012953, OMIM 612591.

Allele frequency attached by ClinVar (database versions not stated): gnomAD exomes below 0.00001 and 0.00001; gnomAD 0.00001; TOPMed 0.00001.
gnomAD v4.1: 8 of 1,593,396 alleles (0.0005%); highest among the groups gnomAD compares: Middle Eastern, 0.034%; no homozygotes.

Submissions (4):

Labcorp Genetics (formerly Invitae), Labcorp
Classification: Likely benign for POLD1-related polyposis and colorectal cancer syndrome. Last evaluated: 2025-12-23. Review status: criteria provided, single submitter. Criteria: Invitae Variant Classification Sherloc (09022015). Collection method: clinical testing. Allele origin: germline.

Ambry Genetics
Classification: Uncertain significance for Hereditary cancer-predisposing syndrome. Last evaluated: 2024-12-16. Review status: criteria provided, single submitter. Criteria: Ambry Variant Classification Scheme 2023. Collection method: clinical testing. Allele origin: germline.
Comment: The c.2388+4C>T intronic variant results from a C to T substitution 4 nucleotides after coding exon 18 in the POLD1 gene. This nucleotide position is poorly conserved in available vertebrate species. In silico splice site analysis predicts that this alteration will not have any significant effect on splicing. Based on the available evidence, the clinical significance of this variant remains unclear.

GeneDx
Classification: Likely benign. Last evaluated: 2020-10-15. Review status: criteria provided, single submitter. Criteria: GeneDx Variant Classification Process June 2021. Collection method: clinical testing. Allele origin: germline. Affected: yes.

Quest Diagnostics Nichols Institute San Juan Capistrano
Classification: Uncertain significance. Last evaluated: 2019-03-21. Review status: criteria provided, single submitter. Criteria: Quest Diagnostics criteria. Collection method: clinical testing. Allele origin: germline.

NM_002691.4(POLD1):c.2388+4C>T

Gene: POLD1 (DNA polymerase delta 1, catalytic subunit; plus strand). Cytogenetic location: 19q13.33.
Variant type: single nucleotide variant.
Coding change: c.2388+4C>T on transcript NM_002691.4 (MANE Select); 4 bases into the intron after coding-DNA position 2388, C replaced by T.
Molecular consequence: intron variant.
Genome position (GRCh38, 1-based): chr19:50,413,883, C>T. VCF-style: chr19-50413883-C-T. GRCh37 (hg19) VCF-style: chr19-50917140-C-T.
Other names: c.2388+4C>T (LRG_785t1, NM_001256849.1); c.2466+4C>T (LRG_785t2, NM_001308632.1).
Identifiers: ClinVar variation 386269 (VCV000386269.20), dbSNP rs371542643, ClinGen allele CA16608363.
Genomic context (GRCh38, chr19:50,413,883, plus strand): 5'-GCCGCGGACTGGGTGTCAGGTCACTTCCCGTCGCCCATCCGGCTGGAGTTTGAGAAGGTG[C>T]GTGGCTGGGTCAGGGGCTCTGCATTTAGGTGCCCTCATCAGGGTACTCAGGGTGTCCCGT-3'